The following is an entry in ClinVar:

NM_001267550.2(TTN):c.105630A>C (p.Gln35210His)

Genes: TTN (titin; minus strand), TTN-AS1 (TTN antisense RNA 1; plus strand), LOC129935183 (ATAC-STARR-seq lymphoblastoid active region 16808; plus strand). Cytogenetic location: 2q31.2.
Variant type: single nucleotide variant.
Coding change: c.105630A>C on transcript NM_001267550.2 (MANE Select); coding-DNA position 105630, A replaced by C.
Protein change: p.Gln35210His; replaces glutamine 35210 with histidine.
Molecular consequence: missense variant.
Genome position (GRCh38, 1-based): chr2:178,530,985, T>G on the plus strand (A>C on the coding strand, the complement: TTN is on the minus strand). VCF-style: chr2-178530985-T-G. GRCh37 (hg19) VCF-style: chr2-179395712-T-G.
Other names: c.97926A>C, p.Gln32642His (NM_133378.4); c.100707A>C, p.Gln33569His (NM_001256850.1); c.78435A>C, p.Gln26145His (NM_003319.4); c.78810A>C, p.Gln26270His (NM_133432.3); c.79011A>C, p.Gln26337His (NM_133437.4); short protein forms Q35210H, Q32642H, Q26337H, Q26145H, Q33569H, Q26270H.
Identifiers: ClinVar variation 47698 (VCV000047698.5), dbSNP rs397517798, ClinGen allele CA141744.

ClinVar aggregate classification (germline): Uncertain significance (1 of 4 stars; one submission).

gnomAD v4.1: 1 of 1,614,036 alleles (0.000062%); highest among the groups gnomAD compares: African/African-American, 0.0013%; no homozygotes.

Submission:

Laboratory for Molecular Medicine, Mass General Brigham Personalized Medicine
Classification: Uncertain significance. Last evaluated: 2011-12-13. Review status: criteria provided, single submitter. Criteria: LMM Criteria. Collection method: clinical testing. Allele origin: germline. Observed: 1 variant allele.
Comment: The Gln32642His variant (TTN) has not been previously reported nor previously id entified by our laboratory. Glutamine (Glu) at position 32642 is highly conserve d across evolutionarily distant species, increasing the likelihood that a change would not be tolerated. Computational tools are mixed on the predicted impact t o the protein (AlignGVGD = benign, SIFT = pathogenic), though the accuracy of th ese tools is unknown. Additional information is needed to fully assess the clini cal significance of the Gln32642His variant.